The following is an entry in ClinVar:

NC_000023.10:g.(?_32398607)_(32717430_?)dup

Gene: DMD (dystrophin; minus strand). Cytogenetic location: Xp21.1.
Variant type: Duplication.
Identifiers: ClinVar variation 3243405 (VCV003243405.1).

ClinVar aggregate classification (germline): Likely pathogenic (1 of 4 stars; one submission).

Conditions:
Duchenne muscular dystrophy (DMD). Also called: MUSCULAR DYSTROPHY, PSEUDOHYPERTROPHIC PROGRESSIVE, DUCHENNE TYPE; Duchenne Muscular Dystrophy (DMD). Identifiers: Orphanet 98896, MedGen C0013264, MONDO:0010679, OMIM 310200.

Submission:

Labcorp Genetics (formerly Invitae), Labcorp
Classification: Likely pathogenic for Duchenne muscular dystrophy. Last evaluated: 2024-01-12. Review status: criteria provided, single submitter. Criteria: Invitae Variant Classification Sherloc (09022015). Collection method: clinical testing. Allele origin: unknown.
Comment: This variant results in a copy number gain of the genomic region encompassing exon(s) 8-34 of the DMD gene. While the exact position of this variant cannot be determined from the data, sub-genic copy number gains are generally in tandem (PMID: 25640679). This variant is predicted to be out-of-frame, and may result in an absent or disrupted protein product. Loss-of-function variants in DMD are known to be pathogenic (PMID: 16770791, 25007885). This variant has not been reported in the literature in individuals affected with DMD-related conditions. In summary, the currently available evidence indicates that the variant is pathogenic, but additional data are needed to prove that conclusively. Therefore, this variant has been classified as Likely Pathogenic.

Literature cited by the submitters: PubMed 25640679; PubMed 16770791; PubMed 25007885.